The following is an entry in ClinVar:

ClinVar aggregate classification (germline): Pathogenic. Review status: criteria provided, multiple submitters, no conflicts (2 of 4 stars). 4 submissions from 4 submitters: Pathogenic (2). 2 of the submissions do not count toward it. Last evaluated 2026-01-13.

Conditions:
OTOF-related disorder. Also called: OTOF-related condition.
Autosomal recessive nonsyndromic hearing loss 9. Also called: AUDITORY NEUROPATHY, AUTOSOMAL RECESSIVE, 1, TEMPERATURE-SENSITIVE; Deafness, autosomal recessive 9; OTOF-Related Hearing Loss; NEUROSENSORY NONSYNDROMIC RECESSIVE DEAFNESS 9. Identifiers: Orphanet 90636, MedGen C1832828, MONDO:0010986, OMIM 601071.

Allele frequency attached by ClinVar (database versions not stated): ExAC 0.00001; gnomAD exomes 0.00001; TOPMed 0.00002; gnomAD 0.00007 and 0.00009.
gnomAD v4.1: 14 of 1,613,744 alleles (0.00087%); highest among the groups gnomAD compares: Admixed American, 0.02%; no homozygotes.

Submissions (4):

Labcorp Genetics (formerly Invitae), Labcorp
Classification: Pathogenic. Last evaluated: 2026-01-13. Review status: criteria provided, single submitter. Criteria: Invitae Variant Classification Sherloc (09022015). Collection method: clinical testing. Allele origin: germline.
Comment: This sequence change affects a donor splice site in intron 34 of the OTOF gene. It is expected to disrupt RNA splicing. Variants that disrupt the donor or acceptor splice site typically lead to a loss of protein function (PMID: 16199547), and loss-of-function variants in OTOF are known to be pathogenic (PMID: 18381613, 19250381, 22575033). This variant is present in population databases (rs397515601, gnomAD 0.003%). Disruption of this splice site has been observed in individual(s) with deafness (PMID: 18381613). In at least one individual the data is consistent with being in trans (on the opposite chromosome) from a pathogenic variant. ClinVar contains an entry for this variant (Variation ID: 65802). Algorithms developed to predict the effect of sequence changes on RNA splicing suggest that this variant may disrupt the consensus splice site. For these reasons, this variant has been classified as Pathogenic.

PreventionGenetics, part of Exact Sciences
Classification: Pathogenic for OTOF-related condition. Last evaluated: 2025-01-05. Review status: criteria provided, single submitter. Criteria: ACMG Guidelines, 2015. Collection method: clinical testing. Allele origin: germline.
Comment: The OTOF c.4227+1G>T variant is predicted to disrupt the GT donor site and interfere with normal splicing. This variant was reported along with a second pathogenic variant in multiple individuals with hearing loss (Rodríguez-Ballesteros et al. 2008. PubMed ID: 18381613). This variant is reported in 0.0029% of alleles in individuals of Latino descent in gnomAD. Variants that disrupt the consensus splice donor site in OTOF are expected to be pathogenic. This variant is interpreted as pathogenic.

Genetic Testing Center for Deafness, Department of Otolaryngology Head & Neck Surgery, Institute of Otolaryngology, Chinese PLA General Hospital
Classification: Likely pathogenic for Autosomal recessive nonsyndromic hearing loss 9. Last evaluated: 2019-02-26. Review status: no assertion criteria provided. Collection method: case-control. Allele origin: inherited. Affected: yes. Observed: 1 variant allele. Not counted in ClinVar's aggregate classification.

GeneReviews
No classification provided. Condition: Autosomal recessive nonsyndromic hearing loss 9. Review status: no classification provided. Collection method: literature only. Allele origin: unknown. Not counted in ClinVar's aggregate classification.

Literature cited by the submitters: PubMed 16199547 (cited by Labcorp Genetics (formerly Invitae), Labcorp); PubMed 18381613 (cited by Labcorp Genetics (formerly Invitae), Labcorp and GeneReviews); PubMed 19250381 (cited by Labcorp Genetics (formerly Invitae), Labcorp); PubMed 22575033 (cited by Labcorp Genetics (formerly Invitae), Labcorp); PubMed 20301429 (cited by GeneReviews); NCBI Bookshelf NBK1251 (cited by GeneReviews).

NM_194248.3(OTOF):c.4227+1G>T

Gene: OTOF (otoferlin; minus strand). Cytogenetic location: 2p23.3.
Variant type: single nucleotide variant.
Coding change: c.4227+1G>T on transcript NM_194248.3 (MANE Select); the canonical splice donor site of the intron after coding-DNA position 4227, G replaced by T.
Molecular consequence: splice donor variant.
Genome position (GRCh38, 1-based): chr2:26,467,364, C>A on the plus strand (G>T on the coding strand, the complement: OTOF is on the minus strand). VCF-style: chr2-26467364-C-A. GRCh37 (hg19) VCF-style: chr2-26690232-C-A.
Other names: c.4227+1G>T (NM_001287489.2); c.1926+1G>T (NM_194323.3, NM_004802.4); c.2157+1G>T (NM_194322.3).
Identifiers: ClinVar variation 65802 (VCV000065802.8), dbSNP rs397515601, ClinGen allele CA345122.
Genomic context (GRCh38, chr2:26,467,364, plus strand): 5'-CACTGCGCCCCCCTCTTCCCGCCCCCACACACCCTAGAAGGGTCTGCTCCTAGGCTCTCA[C>A]CTTAAGCTCATCAATCTTGGGTTTCTTCTTCTCGGGGGCCTCGGACCCCTGGCCAGAGCC-3'